The following is an entry in ClinVar:

NM_001039999.3(SACK1G):c.1888C>T (p.Arg630Trp)

Genes: SACK1G (scaffolding CK1 anchoring protein G; minus strand), SLC5A10 (solute carrier family 5 member 10; plus strand). Cytogenetic location: 17p11.2.
Variant type: single nucleotide variant.
Coding change: c.1888C>T on transcript NM_001039999.3 (MANE Select); coding-DNA position 1888, C replaced by T.
Protein change: p.Arg630Trp; replaces arginine 630 with tryptophan.
Molecular consequence: missense variant. On other transcripts: intron variant (5).
Genome position (GRCh38, 1-based): chr17:18,977,778, G>A on the plus strand (C>T on the coding strand, the complement: SACK1G is on the minus strand). VCF-style: chr17-18977778-G-A. GRCh37 (hg19) VCF-style: chr17-18881091-G-A.
Other names: c.733+789G>A (NM_001282417.1); c.982+789G>A (NM_152351.6, NM_001042450.4, NM_001270649.2); c.901+789G>A (NM_001270648.3); short protein forms R630W.
Identifiers: ClinVar variation 4872029 (VCV004872029.2).

ClinVar aggregate classification (germline): Likely benign (1 of 4 stars; one submission).

gnomAD v4.1: 4,886 of 1,602,742 alleles (0.3%); highest among the groups gnomAD compares: Middle Eastern, 1.2%; 10 homozygotes.

Submission:

CeGaT Center for Human Genetics Tuebingen
Classification: Likely benign. Last evaluated: 2026-06-01. Review status: criteria provided, single submitter. Criteria: CeGaT Center For Human Genetics Tuebingen Variant Classification Criteria Version 2. Collection method: clinical testing. Allele origin: germline. Affected: yes. Observed: 2 variant alleles.
Comment: SACK1G: BP4, BS2